The following is an entry in ClinVar:

ClinVar aggregate classification (germline): Uncertain significance (1 of 4 stars; one submission).

Conditions:
PCNT-related disorder. Also called: PCNT-related condition.

Submission:

PreventionGenetics, part of Exact Sciences
Classification: Uncertain significance for PCNT-related condition. Last evaluated: 2025-03-19. Review status: criteria provided, single submitter. Criteria: ACMG Guidelines, 2015. Collection method: clinical testing. Allele origin: germline.
Comment: The PCNT c.2440T>G variant is predicted to result in the amino acid substitution p.Leu814Val. To our knowledge, this variant has not been reported in the literature or in a large population database (gnomAD), indicating this variant is rare. At this time, the clinical significance of this variant is uncertain due to the absence of conclusive functional and genetic evidence.

NM_006031.6(PCNT):c.2440T>G (p.Leu814Val)

Gene: PCNT (pericentrin; plus strand). Cytogenetic location: 21q22.3.
Variant type: single nucleotide variant.
Coding change: c.2440T>G on transcript NM_006031.6 (MANE Select); coding-DNA position 2440, T replaced by G.
Protein change: p.Leu814Val; replaces leucine 814 with valine.
Molecular consequence: missense variant.
Genome position (GRCh38, 1-based): chr21:46,363,765, T>G. VCF-style: chr21-46363765-T-G. GRCh37 (hg19) VCF-style: chr21-47783680-T-G.
Other names: c.2086T>G, p.Leu696Val (NM_001315529.2); short protein forms L696V, L814V.
Identifiers: ClinVar variation 4998470 (VCV004998470.1).